The following is an entry in ClinVar:

NM_001330260.2(SCN8A):c.273G>C (p.Gln91His)

Genes: SCN8A (sodium voltage-gated channel alpha subunit 8; plus strand), LOC114803470 (SCN8A eExon liver enhancer; plus strand). Cytogenetic location: 12q13.13.
Variant type: single nucleotide variant.
Coding change: c.273G>C on transcript NM_001330260.2 (MANE Select); coding-DNA position 273, G replaced by C.
Protein change: p.Gln91His; replaces glutamine 91 with histidine.
Molecular consequence: missense variant.
Genome position (GRCh38, 1-based): chr12:51,663,090, G>C. VCF-style: chr12-51663090-G-C. GRCh37 (hg19) VCF-style: chr12-52056874-G-C.
Other names: c.273G>C, p.Gln91His (NM_001177984.3, NM_001369788.1, NM_014191.4); short protein forms Q91H.
Identifiers: ClinVar variation 2310196 (VCV002310196.3), dbSNP rs1017697457, ClinGen allele CA385215542.

ClinVar aggregate classification (germline): Uncertain significance. Review status: criteria provided, multiple submitters, no conflicts (2 of 4 stars). 2 submissions from 2 submitters: Uncertain significance (2). Last evaluated 2025-06-10.

Conditions:
Inborn genetic diseases. Identifiers: MedGen C0950123, MeSH D030342.
Early-infantile DEE. Also called: Early infantile epileptic encephalopathy with suppression bursts; Early infantile epileptic encephalopathy; Ohtahara syndrome. Identifiers: Orphanet 1934, MedGen C0393706, MONDO:0800491.

Submissions (2):

Labcorp Genetics (formerly Invitae), Labcorp
Classification: Uncertain significance for Early-infantile DEE. Last evaluated: 2025-06-10. Review status: criteria provided, single submitter. Criteria: Invitae Variant Classification Sherloc (09022015). Collection method: clinical testing. Allele origin: germline.
Comment: This sequence change replaces glutamine, which is neutral and polar, with histidine, which is basic and polar, at codon 91 of the SCN8A protein (p.Gln91His). This variant is not present in population databases (gnomAD no frequency). This variant has not been reported in the literature in individuals affected with SCN8A-related conditions. ClinVar contains an entry for this variant (Variation ID: 2310196). Invitae Evidence Modeling of protein sequence and biophysical properties (such as structural, functional, and spatial information, amino acid conservation, physicochemical variation, residue mobility, and thermodynamic stability) indicates that this missense variant is not expected to disrupt SCN8A protein function with a negative predictive value of 95%. In summary, the available evidence is currently insufficient to determine the role of this variant in disease. Therefore, it has been classified as a Variant of Uncertain Significance.

Ambry Genetics
Classification: Uncertain significance for Inborn genetic diseases. Last evaluated: 2022-09-06. Review status: criteria provided, single submitter. Criteria: Ambry Variant Classification Scheme 2023. Collection method: clinical testing. Allele origin: germline.